The following is an entry in ClinVar:

ClinVar aggregate classification (germline): Uncertain significance (1 of 4 stars; one submission).

Conditions:
Inborn genetic diseases. Identifiers: MedGen C0950123, MeSH D030342.

Submission:

Ambry Genetics
Classification: Uncertain significance for Inborn genetic diseases. Last evaluated: 2023-05-28. Review status: criteria provided, single submitter. Criteria: Ambry Variant Classification Scheme 2023. Collection method: clinical testing. Allele origin: germline.
Comment: The p.T383R variant (also known as c.1148C>G), located in coding exon 4 of the SMAD6 gene, results from a C to G substitution at nucleotide position 1148. The threonine at codon 383 is replaced by arginine, an amino acid with similar properties. This amino acid position is conserved. In addition, this alteration is predicted to be deleterious by in silico analysis. Since supporting evidence is limited at this time, the clinical significance of this alteration remains unclear.

NM_005585.5(SMAD6):c.1148C>G (p.Thr383Arg)

Gene: SMAD6 (SMAD family member 6; plus strand). Cytogenetic location: 15q22.31.
Variant type: single nucleotide variant.
Coding change: c.1148C>G on transcript NM_005585.5 (MANE Select); coding-DNA position 1148, C replaced by G.
Protein change: p.Thr383Arg; replaces threonine 383 with arginine.
Molecular consequence: missense variant. On other transcripts: non-coding transcript variant (1).
Genome position (GRCh38, 1-based): chr15:66,781,192, C>G. VCF-style: chr15-66781192-C-G. GRCh37 (hg19) VCF-style: chr15-67073530-C-G.
Other names: short protein forms T383R.
Identifiers: ClinVar variation 2568135 (VCV002568135.2), dbSNP rs1410638809, ClinGen allele CA393201960.
Genomic context (GRCh38, chr15:66,781,192, plus strand): 5'-GCAGCGGCTTCTGCCTGGGCCAGCTCAACCTGGAGCAGCGCAGCGAGTCGGTGCGGCGAA[C>G]GCGCAGCAAGATCGGCTTCGGCATCCTGCTCAGCAAGGAGCCCGACGGCGTGTGGGCCTA-3'
Protein context (NP_005576.3, residues 373-393): LEQRSESVRR[Thr383Arg]RSKIGFGILL